The following is an entry in ClinVar:

NM_024675.4(PALB2):c.228A>G (p.Ile76Met)

Gene: PALB2 (partner and localizer of BRCA2; minus strand). Cytogenetic location: 16p12.2.
Variant type: single nucleotide variant.
Coding change: c.228A>G on transcript NM_024675.4 (MANE Select); coding-DNA position 228, A replaced by G.
Protein change: p.Ile76Met; replaces isoleucine 76 with methionine.
Molecular consequence: missense variant.
Genome position (GRCh38, 1-based): chr16:23,636,318, T>C on the plus strand (A>G on the coding strand, the complement: PALB2 is on the minus strand). VCF-style: chr16-23636318-T-C. GRCh37 (hg19) VCF-style: chr16-23647639-T-C.
Other names: short protein forms I76M.
Identifiers: ClinVar variation 460935 (VCV000460935.13), dbSNP rs1555461872, ClinGen allele CA395138955.

ClinVar aggregate classification (germline): Conflicting classifications of pathogenicity. Review status: criteria provided, conflicting classifications (1 of 4 stars). 3 submissions from 3 submitters: Uncertain significance (2); Likely benign (1). Last evaluated 2025-07-24.

Conditions:
Hereditary cancer-predisposing syndrome. Also called: Neoplastic Syndromes, Hereditary; Hereditary Cancer Syndrome; Hereditary neoplastic syndrome; Tumor predisposition. Identifiers: Orphanet 140162, MedGen C0027672, MeSH D009386, MONDO:0015356.
Familial cancer of breast. Also called: BREAST CANCER, FAMILIAL; Hereditary breast cancer; hereditary breast carcinoma. Identifiers: Orphanet 227535, MedGen C0346153, MONDO:0016419, OMIM 114480. Disease mechanism: loss of function.

Submissions (3):

Ambry Genetics
Classification: Likely benign for Hereditary cancer-predisposing syndrome. Last evaluated: 2025-07-24. Review status: criteria provided, single submitter. Criteria: Ambry Variant Classification Scheme 2023. Collection method: clinical testing. Allele origin: germline.

Institute for Clinical Genetics, University Hospital TU Dresden, University Hospital TU Dresden
Classification: Uncertain significance. Last evaluated: 2021-11-03. Review status: criteria provided, single submitter. Criteria: ACMG Guidelines, 2015. Collection method: clinical testing. Allele origin: germline.

Labcorp Genetics (formerly Invitae), Labcorp
Classification: Uncertain significance for Familial cancer of breast. Last evaluated: 2017-03-07. Review status: criteria provided, single submitter. Criteria: Invitae Variant Classification Sherloc (09022015). Collection method: clinical testing. Allele origin: germline.
Comment: This sequence change replaces isoleucine with methionine at codon 76 of the PALB2 protein (p.Ile76Met). The isoleucine residue is weakly conserved and there is a small physicochemical difference between isoleucine and methionine. This variant is not present in population databases (ExAC no frequency) and has not been reported in the literature in individuals with a PALB2-related disease. Algorithms developed to predict the effect of missense changes on protein structure and function (SIFT, PolyPhen-2, Align-GVGD) all suggest that this variant is likely to be tolerated, but these predictions have not been confirmed by published functional studies. Algorithms developed to predict the effect of sequence changes on RNA splicing suggest that this variant may alter RNA splicing, but this prediction has not been confirmed by published transcriptional studies. In summary, this variant is a novel missense change with uncertain impact on RNA splicing and protein function. It has been classified as a Variant of Uncertain Significance.